The following is an entry in ClinVar:

NM_005267.5(GJA8):c.92T>C (p.Ile31Thr)

Gene: GJA8 (gap junction protein alpha 8; plus strand). Cytogenetic location: 1q21.2.
Variant type: single nucleotide variant.
Coding change: c.92T>C on transcript NM_005267.5 (MANE Select); coding-DNA position 92, T replaced by C.
Protein change: p.Ile31Thr; replaces isoleucine 31 with threonine.
Molecular consequence: missense variant.
Genome position (GRCh38, 1-based): chr1:147,908,047, T>C. VCF-style: chr1-147908047-T-C. GRCh37 (hg19) VCF-style: chr1-147380174-T-C.
Other names: short protein forms I31T.
Identifiers: ClinVar variation 3253708 (VCV003253708.1), dbSNP rs2524888659.

ClinVar aggregate classification (germline): Likely pathogenic (1 of 4 stars; one submission).

Conditions:
Cataract 1 multiple types. Also called: CATARACT, DUFFY-LINKED; CATARACT 1, POSTERIOR SUBCAPSULAR, WITH MICROCORNEA; CATARACT 1, STELLATE NUCLEAR, WITH MICROCORNEA; CATARACT 1, MULTIPLE TYPES, WITH OR WITHOUT MICROCORNEA; CATARACT 1, NUCLEAR PROGRESSIVE; CATARACT 1 WITH MICROCORNEA. Identifiers: Orphanet 1377, MedGen C1861828, MONDO:0007285, OMIM 116200.

Submission:

Dept. Genetics and Cancer, Menzies Institute for Medical Research, University of Tasmania
Classification: Likely pathogenic for Cataract 1 multiple types. Last evaluated: 2023-01-21. Review status: criteria provided, single submitter. Criteria: ACMG Guidelines, 2015. Collection method: curation. Allele origin: germline. Affected: yes.
Comment: Variant identified and curated during a GJA8 specific review of the literature in relation to pediatric or congenital cataract. ACMG-AMP criteria applied: PP1(Strong), PM1(Supporting), PM2(Supporting), PP3. Original variant report: PMID:20019893. The cataract phenotype reported for this variant is: Nuclear. Gene review and curation guidelines are outlined in: DOI 10.1080/17469899.2023.2160320

Literature cited by the submitters: PubMed 20019893.